The following is an entry in ClinVar:

NM_001378183.1(PIEZO2):c.4823T>C (p.Ile1608Thr)

Gene: PIEZO2 (piezo type mechanosensitive ion channel component 2; minus strand). Cytogenetic location: 18p11.22.
Variant type: single nucleotide variant.
Coding change: c.4823T>C on transcript NM_001378183.1 (MANE Select); coding-DNA position 4823, T replaced by C.
Protein change: p.Ile1608Thr; replaces isoleucine 1608 with threonine.
Molecular consequence: missense variant. On other transcripts: intron variant (2).
Genome position (GRCh38, 1-based): chr18:10,735,323, A>G on the plus strand (T>C on the coding strand, the complement: PIEZO2 is on the minus strand). VCF-style: chr18-10735323-A-G. GRCh37 (hg19) VCF-style: chr18-10735321-A-G.
Other names: c.4740+1281T>C (NM_022068.4); c.4815+1281T>C (NM_001410871.1); short protein forms I1608T.
Identifiers: ClinVar variation 4822825 (VCV004822825.4).

ClinVar aggregate classification (germline): Uncertain significance (1 of 4 stars; one submission).

gnomAD v4.1: 1 of 152,230 alleles (0.00066%); highest among the groups gnomAD compares: Admixed American, 0.0065%; no homozygotes.

Submission:

CeGaT Center for Human Genetics Tuebingen
Classification: Uncertain significance. Last evaluated: 2026-01-01. Review status: criteria provided, single submitter. Criteria: CeGaT Center For Human Genetics Tuebingen Variant Classification Criteria Version 2. Collection method: clinical testing. Allele origin: germline. Affected: yes. Observed: 1 variant allele.
Comment: PIEZO2: PM2:Supporting